The following is an entry in ClinVar:

NM_003742.4(ABCB11):c.3618+9G>A

Gene: ABCB11 (ATP binding cassette subfamily B member 11; minus strand). Cytogenetic location: 2q31.1.
Variant type: single nucleotide variant.
Coding change: c.3618+9G>A on transcript NM_003742.4 (MANE Select); 9 bases into the intron after coding-DNA position 3618, G replaced by A.
Molecular consequence: intron variant.
Genome position (GRCh38, 1-based): chr2:168,927,147, C>T on the plus strand (G>A on the coding strand, the complement: ABCB11 is on the minus strand). VCF-style: chr2-168927147-C-T. GRCh37 (hg19) VCF-style: chr2-169783657-C-T.
Other names: c.3618+9G>A (LRG_1199t1).
Identifiers: ClinVar variation 387140 (VCV000387140.10), dbSNP rs367984611, ClinGen allele CA1950988.
Genomic context (GRCh38, chr2:168,927,147, plus strand): 5'-TACACTCTGGTCATTCTACTTCTCCCCATCCTTGTCTCTCATAGGGAATGGCTCTGACTT[C>T]GTACTCACCTCTGGGAGTGACATGACAAAATCATGCAGCTGAGCCTGTTTTGCAGCTGCT-3'

ClinVar aggregate classification (germline): Likely benign. Review status: criteria provided, multiple submitters, no conflicts (2 of 4 stars). 3 submissions from 3 submitters: Likely benign (3). Last evaluated 2024-11-22.

Allele frequency attached by ClinVar (database versions not stated): gnomAD exomes below 0.00001 and 0.00001; ExAC 0.00001; gnomAD 0.00005; TOPMed 0.00005; ESP Exome Variant Server 0.00008.
gnomAD v4.1: 24 of 1,611,162 alleles (0.0015%); highest among the groups gnomAD compares: African/African-American, 0.0067%; no homozygotes.

Submissions (3):

Blueprint Genetics
Classification: Likely benign. Last evaluated: 2024-11-22. Review status: criteria provided, single submitter. Criteria: ACMG Guidelines, 2015. Collection method: clinical testing. Allele origin: germline.

Labcorp Genetics (formerly Invitae), Labcorp
Classification: Likely benign. Last evaluated: 2023-11-14. Review status: criteria provided, single submitter. Criteria: Invitae Variant Classification Sherloc (09022015). Collection method: clinical testing. Allele origin: germline.

GeneDx
Classification: Likely benign. Last evaluated: 2016-07-13. Review status: criteria provided, single submitter. Criteria: GeneDx Variant Classification (06012015). Collection method: clinical testing. Allele origin: germline. Affected: yes.
Comment: This variant is considered likely benign or benign based on one or more of the following criteria: it is a conservative change, it occurs at a poorly conserved position in the protein, it is predicted to be benign by multiple in silico algorithms, and/or has population frequency not consistent with disease.